The following is an entry in ClinVar:

ClinVar aggregate classification (germline): Likely benign. Review status: criteria provided, multiple submitters, no conflicts (2 of 4 stars). 3 submissions from 3 submitters: Likely benign (2). 1 of the submissions does not count toward it. Last evaluated 2026-02-01.

Conditions:
STK11-related disorder. Also called: STK11-related condition.
Hereditary cancer-predisposing syndrome. Also called: Tumor predisposition; Neoplastic Syndromes, Hereditary; Hereditary Cancer Syndrome; Hereditary neoplastic syndrome. Identifiers: Orphanet 140162, MedGen C0027672, MeSH D009386, MONDO:0015356.
Peutz-Jeghers syndrome (PJS). Also called: POLYPOSIS, HAMARTOMATOUS INTESTINAL; POLYPS-AND-SPOTS SYNDROME; Peutz-Jeghers polyposis; Periorificial lentiginosis syndrome. Identifiers: Orphanet 2869, MedGen C0031269, MeSH D010580, MONDO:0008280, OMIM 175200.

Allele frequency attached by ClinVar (database versions not stated): TOPMed 0.00005; gnomAD 0.00007 and 0.00009.
gnomAD v4.1: 13 of 1,600,650 alleles (0.00081%); highest among the groups gnomAD compares: African/African-American, 0.017%; no homozygotes.

Submissions (3):

Labcorp Genetics (formerly Invitae), Labcorp
Classification: Likely benign for Peutz-Jeghers syndrome. Last evaluated: 2026-02-01. Review status: criteria provided, single submitter. Criteria: Invitae Variant Classification Sherloc (09022015). Collection method: clinical testing. Allele origin: germline.

Color Diagnostics, LLC DBA Color Health
Classification: Likely benign for Hereditary cancer-predisposing syndrome. Last evaluated: 2017-03-06. Review status: criteria provided, single submitter. Criteria: ACMG Guidelines, 2015. Collection method: clinical testing. Allele origin: germline.

PreventionGenetics, part of Exact Sciences
Classification: Likely benign for STK11-related condition. Last evaluated: 2024-03-23. Review status: no assertion criteria provided. Collection method: clinical testing. Allele origin: germline. Not counted in ClinVar's aggregate classification.
Comment: This variant is classified as likely benign based on ACMG/AMP sequence variant interpretation guidelines (Richards et al. 2015 PMID: 25741868, with internal and published modifications).

NM_000455.5(STK11):c.734+15C>G

Gene: STK11 (serine/threonine kinase 11; plus strand). Cytogenetic location: 19p13.3.
Variant type: single nucleotide variant.
Coding change: c.734+15C>G on transcript NM_000455.5 (MANE Select); 15 bases into the intron after coding-DNA position 734, C replaced by G.
Molecular consequence: intron variant.
Genome position (GRCh38, 1-based): chr19:1,220,732, C>G. VCF-style: chr19-1220732-C-G. GRCh37 (hg19) VCF-style: chr19-1220731-C-G.
Identifiers: ClinVar variation 492552 (VCV000492552.12), dbSNP rs766782311, ClinGen allele CA631299508.